The following is an entry in ClinVar:

NM_003119.4(SPG7):c.1664-1G>A

Gene: SPG7 (SPG7 matrix AAA peptidase subunit, paraplegin; plus strand). Cytogenetic location: 16q24.3.
Variant type: single nucleotide variant.
Coding change: c.1664-1G>A on transcript NM_003119.4 (MANE Select); the canonical splice acceptor site of the intron before coding-DNA position 1664, G replaced by A.
Molecular consequence: splice acceptor variant.
Genome position (GRCh38, 1-based): chr16:89,550,493, G>A. VCF-style: chr16-89550493-G-A. GRCh37 (hg19) VCF-style: chr16-89616901-G-A.
Other names: c.1664-1G>A (NM_001363850.1).
Identifiers: ClinVar variation 4085823 (VCV004085823.8).

ClinVar aggregate classification (germline): Pathogenic (1 of 4 stars; one submission).

Submission:

CeGaT Center for Human Genetics Tuebingen
Classification: Pathogenic. Last evaluated: 2025-08-01. Review status: criteria provided, single submitter. Criteria: CeGaT Center For Human Genetics Tuebingen Variant Classification Criteria Version 2. Collection method: clinical testing. Allele origin: germline. Affected: yes. Observed: 1 variant allele.
Comment: SPG7: PVS1, PM2